The following is an entry in ClinVar:

NM_033026.6(PCLO):c.3300+8_3300+18del

Gene: PCLO (piccolo presynaptic cytomatrix protein; minus strand). Cytogenetic location: 7q21.11.
Variant type: Deletion.
Coding change: c.3300+8_3300+18del on transcript NM_033026.6 (MANE Select); bases 8 to 18 of the intron after coding-DNA position 3300, 11 bases deleted (ATATATATATA).
Molecular consequence: intron variant.
Genome position (GRCh38, 1-based): chr7:83,134,232-83,134,242, TATATATATAT deleted on the plus strand (ATATATATATA on the coding strand, the reverse complement: PCLO is on the minus strand). VCF-style (leftmost placement, unchanged base first): chr7-83134231-ATATATATATAT-A. GRCh37 (hg19) VCF-style: chr7-82763547-ATATATATATAT-A.
Other names: c.3300+8_3300+18del (NM_014510.3).
Identifiers: ClinVar variation 3045750 (VCV003045750.1), dbSNP rs759837488, ClinGen allele CA4321085.

ClinVar aggregate classification (germline): Likely benign (1 of 4 stars; one submission).

Conditions:
PCLO-related disorder. Also called: PCLO-related condition.

Allele frequency attached by ClinVar (database versions not stated): gnomAD exomes 0.00002; gnomAD 0.00004.

Submission:

PreventionGenetics, part of Exact Sciences
Classification: Likely benign for PCLO-related condition. Last evaluated: 2019-10-28. Review status: criteria provided, single submitter. Criteria: ACMG Guidelines, 2015. Collection method: clinical testing. Allele origin: germline.
Comment: This variant is classified as likely benign based on ACMG/AMP sequence variant interpretation guidelines (Richards et al. 2015 PMID: 25741868, with internal and published modifications).